The following is an entry in ClinVar:

ClinVar aggregate classification (germline): Conflicting classifications of pathogenicity. Review status: criteria provided, conflicting classifications (1 of 4 stars). 6 submissions from 6 submitters: Uncertain significance (1); Benign (1); Likely benign (4). Last evaluated 2026-05-19.

Conditions:
Neurofibromatosis, type 1 (NF1). Also called: Peripheral type neurofibromatosis; Neurofibromatosis, type I; VON RECKLINGHAUSEN DISEASE; NEUROFIBROMATOSIS, TYPE I, SOMATIC. Identifiers: Orphanet 636, MedGen C0027831, MONDO:0018975, OMIM 162200. Disease mechanism: loss of function.
Hereditary cancer-predisposing syndrome. Also called: Neoplastic Syndromes, Hereditary; Hereditary Cancer Syndrome; Tumor predisposition; Hereditary neoplastic syndrome. Identifiers: Orphanet 140162, MedGen C0027672, MeSH D009386, MONDO:0015356.

Allele frequency attached by ClinVar (database versions not stated): TOPMed 0.00002; gnomAD 0.00004 and 0.00005; 1000 Genomes Project 30x 0.00047; 1000 Genomes Project 0.00060.
gnomAD v4.1: 133 of 1,614,148 alleles (0.0082%); highest among the groups gnomAD compares: East Asian, 0.29%; no homozygotes.

Submissions (6):

Myriad Genetics, Inc.
Classification: Benign for Neurofibromatosis, type 1. Last evaluated: 2026-05-19. Review status: criteria provided, single submitter. Criteria: Myriad Autosomal Dominant, Autosomal Recessive and X-Linked Classification Criteria (2023). Collection method: clinical testing. Allele origin: unknown.
Comment: This variant is considered benign. This variant is a silent/synonymous amino acid change and it is not expected to impact splicing.

Labcorp Genetics (formerly Invitae), Labcorp
Classification: Likely benign for Neurofibromatosis, type 1. Last evaluated: 2026-02-04. Review status: criteria provided, single submitter. Criteria: Invitae Variant Classification Sherloc (09022015). Collection method: clinical testing. Allele origin: germline.

Sema4
Classification: Uncertain significance for Hereditary cancer-predisposing syndrome. Last evaluated: 2021-12-28. Review status: criteria provided, single submitter. Criteria: Sema4 Curation Guidelines. Collection method: curation. Allele origin: germline.
Comment: The NF1 c.3690G>T (p.V1230=) variant has been reported in heterozygosity in individuals with breast cancer and pancreatic cancer as well as in healthy controls (PMID: 30287823, 32980694). It was observed in 5/19944 chromosomes of the East Asian subpopulation in the large and broad cohorts of the Genome Aggregation Database (PMID: 32461654). The variant has been reported in ClinVar (Variation ID 231515). The variant is moderately conserved and in-silico tools suggest that the variant does not impact splicing, though these predictions have not been confirmed by functional studies. The evidence is insufficient to meet ACMG/AMP criteria for classifying the variant as benign or pathogenic. Thus, the clinical significance of this variant is currently uncertain.

Blueprint Genetics
Classification: Likely benign. Last evaluated: 2020-12-27. Review status: criteria provided, single submitter. Criteria: ACMG Guidelines, 2015. Collection method: clinical testing. Allele origin: germline.

Women's Health and Genetics/Laboratory Corporation of America, LabCorp
Classification: Likely benign. Last evaluated: 2020-04-17. Review status: criteria provided, single submitter. Criteria: LabCorp Variant Classification Summary - May 2015. Collection method: clinical testing. Allele origin: germline.

Ambry Genetics
Classification: Likely benign for Hereditary cancer-predisposing syndrome. Last evaluated: 2015-04-24. Review status: criteria provided, single submitter. Criteria: Ambry Autosomal Dominant and X-Linked criteria (10/2015). Collection method: clinical testing. Allele origin: germline. Observed: 1 variant allele.

Literature cited by the submitters: PubMed 30287823 (cited by Sema4); PubMed 32980694 (cited by Sema4).

NM_001042492.3(NF1):c.3690G>T (p.Val1230=)

Gene: NF1 (neurofibromin 1; plus strand). Cytogenetic location: 17q11.2.
Variant type: single nucleotide variant.
Coding change: c.3690G>T on transcript NM_001042492.3 (MANE Select); coding-DNA position 3690, G replaced by T.
Protein change: p.Val1230=; no amino-acid change (valine 1230 retained).
Molecular consequence: synonymous variant.
Genome position (GRCh38, 1-based): chr17:31,233,195, G>T. VCF-style: chr17-31233195-G-T. GRCh37 (hg19) VCF-style: chr17-29560213-G-T.
Other names: c.3690G>T, p.Val1230= (NM_000267.4).
Identifiers: ClinVar variation 231515 (VCV000231515.17), dbSNP rs183296277, ClinGen allele CA8486207.